The following is an entry in ClinVar:

NM_000255.4(MMUT):c.912-1G>A

Gene: MMUT (methylmalonyl-CoA mutase; minus strand). Cytogenetic location: 6p12.3.
Variant type: single nucleotide variant.
Coding change: c.912-1G>A on transcript NM_000255.4 (MANE Select); the canonical splice acceptor site of the intron before coding-DNA position 912, G replaced by A.
Molecular consequence: splice acceptor variant.
Genome position (GRCh38, 1-based): chr6:49,453,757, C>T on the plus strand (G>A on the coding strand, the complement: MMUT is on the minus strand). VCF-style: chr6-49453757-C-T. GRCh37 (hg19) VCF-style: chr6-49421470-C-T.
Identifiers: ClinVar variation 591298 (VCV000591298.9), dbSNP rs1561957527, ClinGen allele CA364401097.
Genomic context (GRCh38, chr6:49,453,757, plus strand): 5'-GCTCTCATCTTTGCTATTTCCATATAGAAATTCATTCCAATTCCCCAGAAGAAAGACAAC[C>T]TAAAATAGTAACGTTAGGTCCAGAATTTAATTAAAGTTAACAATATAGAGCAGAAAATAA-3'

ClinVar aggregate classification (germline): Likely pathogenic. Review status: criteria provided, single submitter (1 of 4 stars). 2 submissions from 2 submitters: Likely pathogenic (1). 1 of the submissions does not count toward it. Last evaluated 2019-04-17.

Submissions (2):

Labcorp Genetics (formerly Invitae), Labcorp
Classification: Likely pathogenic. Last evaluated: 2019-04-17. Review status: criteria provided, single submitter. Criteria: Invitae Variant Classification Sherloc (09022015). Collection method: clinical testing. Allele origin: germline.
Comment: In summary, the currently available evidence indicates that the variant is pathogenic, but additional data are needed to prove that conclusively. Therefore, this variant has been classified as Likely Pathogenic. This sequence change affects an acceptor splice site in intron 4 of the MUT gene. It is expected to disrupt RNA splicing and likely results in an absent or disrupted protein product. This variant is not present in population databases (ExAC no frequency). This variant has not been reported in the literature in individuals with MUT-related conditions. ClinVar contains an entry for this variant (Variation ID: 591298). Algorithms developed to predict the effect of sequence changes on RNA splicing suggest that this variant may disrupt the consensus splice site, but this prediction has not been confirmed by published transcriptional studies. Donor and acceptor splice site variants typically lead to a loss of protein function (PMID: 16199547), and loss-of-function variants in MUT are known to be pathogenic (PMID: 15781192).

Gharavi Laboratory, Columbia University
Classification: Uncertain significance. Last evaluated: 2018-09-16. Review status: no assertion criteria provided. Criteria: ACMG Guidelines, 2015. Collection method: research. Allele origin: germline. Affected: yes. Not counted in ClinVar's aggregate classification.

Literature cited by the submitters: PubMed 16199547 (cited by Labcorp Genetics (formerly Invitae), Labcorp); PubMed 15781192 (cited by Labcorp Genetics (formerly Invitae), Labcorp).